The following is an entry in ClinVar:

ClinVar aggregate classification (germline): Uncertain significance (1 of 4 stars; one submission).

Submission:

GeneDx
Classification: Uncertain significance. Last evaluated: 2022-09-16. Review status: criteria provided, single submitter. Criteria: GeneDx Variant Classification Process June 2021. Collection method: clinical testing. Allele origin: germline. Affected: yes.
Comment: Not observed at significant frequency in large population cohorts (gnomAD); Has not been previously published as pathogenic or benign to our knowledge; In silico analysis suggests this variant may impact gene splicing. In the absence of RNA/functional studies, the actual effect of this sequence change is unknown.

NM_004984.4(KIF5A):c.1293+5G>A

Gene: KIF5A (kinesin family member 5A; plus strand). Cytogenetic location: 12q13.3.
Variant type: single nucleotide variant.
Coding change: c.1293+5G>A on transcript NM_004984.4 (MANE Select); 5 bases into the intron after coding-DNA position 1293, G replaced by A.
Molecular consequence: intron variant.
Genome position (GRCh38, 1-based): chr12:57,570,167, G>A. VCF-style: chr12-57570167-G-A. GRCh37 (hg19) VCF-style: chr12-57963950-G-A.
Other names: c.1026+5G>A (NM_001354705.2).
Identifiers: ClinVar variation 2444781 (VCV002444781.1), dbSNP rs2540501800, ClinGen allele CA2580086584.